The following is an entry in ClinVar:

NM_003262.4(SEC62):c.404C>T (p.Thr135Ile)

Gene: SEC62 (SEC62 preprotein translocation factor; plus strand). Cytogenetic location: 3q26.2.
Variant type: single nucleotide variant.
Coding change: c.404C>T on transcript NM_003262.4 (MANE Select); coding-DNA position 404, C replaced by T.
Protein change: p.Thr135Ile; replaces threonine 135 with isoleucine.
Molecular consequence: missense variant.
Genome position (GRCh38, 1-based): chr3:169,982,859, C>T. VCF-style: chr3-169982859-C-T. GRCh37 (hg19) VCF-style: chr3-169700647-C-T.
Other names: short protein forms T135I.
Identifiers: ClinVar variation 4845562 (VCV004845562.1).

ClinVar aggregate classification (germline): Uncertain significance (1 of 4 stars; one submission).

Submission:

Greenwood Genetic Center Diagnostic Laboratories, Greenwood Genetic Center
Classification: Uncertain significance. Last evaluated: 2025-10-10. Review status: criteria provided, single submitter. Criteria: ACMG Guidelines, 2015. Collection method: clinical testing. Allele origin: germline. Affected: yes.
Comment: Gene of Uncertain Significance